The following is an entry in ClinVar:

NM_000500.9(CYP21A2):c.710_719delinsACGAGGAGAA (p.Ile237_Met240delinsAsnGluGluLys)

Genes: CYP21A2 (cytochrome P450 family 21 subfamily A member 2; plus strand), LOC106780800 (CYP21A2 recombination region; plus strand). Cytogenetic location: 6p21.33.
Variant type: Indel.
Coding change: c.710_719delinsACGAGGAGAA on transcript NM_000500.9 (MANE Select); coding-DNA positions 710 to 719, TCGTGGAGAT replaced by ACGAGGAGAA.
Protein change: p.Ile237_Met240delinsAsnGluGluLys.
Molecular consequence: missense variant.
Genome position (GRCh38, 1-based): chr6:32,039,807-32,039,816, TCGTGGAGAT replaced by ACGAGGAGAA. VCF-style: chr6-32039807-TCGTGGAGAT-ACGAGGAGAA. GRCh37 (hg19) VCF-style: chr6-32007584-TCGTGGAGAT-ACGAGGAGAA.
Other names: c.620_629delinsACGAGGAGAA, p.Ile207_Met210delinsAsnGluGluLys (NM_001128590.4); c.305_314delinsACGAGGAGAA, p.Ile102_Met105delinsAsnGluGluLys (NM_001368143.2, NM_001368144.2).
Identifiers: ClinVar variation 189145 (VCV000189145.7), dbSNP rs786204728, ClinGen allele CA274415.

ClinVar aggregate classification (germline): Pathogenic. Review status: criteria provided, multiple submitters, no conflicts (2 of 4 stars). 2 submissions from 2 submitters: Pathogenic (2). Last evaluated 2024-10-17.

Conditions:
21-Hydroxylase-Deficient Congenital Adrenal Hyperplasia. Also called: ADRENAL HYPERPLASIA, CONGENITAL, DUE TO 21-HYDROXYLASE DEFICIENCY; ADRENAL HYPERPLASIA III. Identifiers: MedGen C2936858, OMIM 201910.

Submissions (2):

Athena Diagnostics
Classification: Pathogenic. Last evaluated: 2024-10-17. Review status: criteria provided, single submitter. Criteria: Athena Diagnostics Criteria. Collection method: clinical testing. Allele origin: unknown.
Comment: This variant is located in a genomic region of low or unreliable sequencing quality, and therefore estimations of its population frequency are uninformative in assessment of variant pathogenicity (Genome Aggregation Database (gnomAD), Cambridge, MA (URL)). This variant consists of three missense changes: p.Ile237Asn, p.Val238Glu, and p.Met240Lys, and has been referred to as the "exon 6 cluster" or the "E6 cluster" in published literature. In multiple individuals with congenital adrenal hyperplasia, this variant has been seen in trans with other recessive pathogenic variants in CYP21A2. Assessment of experimental evidence suggests this variant results in abnormal protein function. Experiments demonstrate this variant results in dramatically reduced enzymatic activity (PMID: 15623806).

Myriad Genetics, Inc.
Classification: Pathogenic for 21-Hydroxylase-Deficient Congenital Adrenal Hyperplasia. Last evaluated: 2019-12-26. Review status: criteria provided, single submitter. Criteria: Myriad Women's Health Autosomal Recessive and X-Linked Classification Criteria (2019). Collection method: clinical testing. Allele origin: unknown.
Comment: NM_000500.7(CYP21A2):c.(710T>A;713T>A;719T>A)(I237N;V238E;M240K) is classified as pathogenic in the context of congenital adrenal hyperplasia and is associated with the classic form of the disease. Sources cited for classification include the following: PMID 2845408, 23359698 and 2249999. Classification of NM_000500.7(CYP21A2):c.(710T>A;713T>A;719T>A)(I237N;V238E;M240K) is based on the following criteria: This is a well-established pathogenic variant in the literature that has been observed more frequently in patients with clinical diagnoses than in healthy populations. Please note: this variant was assessed in the context of healthy population screening.

Literature cited by the submitters: PubMed 10084579 (cited by Athena Diagnostics); PubMed 10323369 (cited by Athena Diagnostics); PubMed 10404805 (cited by Athena Diagnostics); PubMed 10720040 (cited by Athena Diagnostics); PubMed 11004722 (cited by Athena Diagnostics); PubMed 11232002 (cited by Athena Diagnostics); PubMed 11397897 (cited by Athena Diagnostics); PubMed 11600539 (cited by Athena Diagnostics); PubMed 11874416 (cited by Athena Diagnostics); PubMed 12050231 (cited by Athena Diagnostics); PubMed 12107196 (cited by Athena Diagnostics); PubMed 12788889 (cited by Athena Diagnostics); PubMed 12887291 (cited by Athena Diagnostics); PubMed 14671187 (cited by Athena Diagnostics); PubMed 15572419 (cited by Athena Diagnostics); PubMed 15608154 (cited by Athena Diagnostics); PubMed 15627780 (cited by Athena Diagnostics); PubMed 15994751 (cited by Athena Diagnostics); PubMed 16427797 (cited by Athena Diagnostics); PubMed 1644925 (cited by Athena Diagnostics); PubMed 2845408 (cited by Athena Diagnostics and Myriad Genetics, Inc.); PubMed 9329356 (cited by Athena Diagnostics); PubMed 9745454 (cited by Athena Diagnostics); PubMed 9761237 (cited by Athena Diagnostics); PubMed 9851787 (cited by Athena Diagnostics); PubMed 23359698 (cited by Athena Diagnostics and Myriad Genetics, Inc.); PubMed 2249999 (cited by Athena Diagnostics and Myriad Genetics, Inc.); PubMed 35094236 (cited by Athena Diagnostics); PubMed 32959514 (cited by Athena Diagnostics); PubMed 35008721 (cited by Athena Diagnostics); PubMed 27185867 (cited by Athena Diagnostics); PubMed 27777794 (cited by Athena Diagnostics); PubMed 28639595 (cited by Athena Diagnostics); PubMed 15623806 (cited by Athena Diagnostics).